The following is an entry in ClinVar:

NM_014159.7(SETD2):c.2049G>T (p.Leu683Phe)

Gene: SETD2 (SET domain containing 2, histone lysine methyltransferase; minus strand). Cytogenetic location: 3p21.31.
Variant type: single nucleotide variant.
Coding change: c.2049G>T on transcript NM_014159.7 (MANE Select); coding-DNA position 2049, G replaced by T.
Protein change: p.Leu683Phe; replaces leucine 683 with phenylalanine.
Molecular consequence: missense variant. On other transcripts: non-coding transcript variant (1).
Genome position (GRCh38, 1-based): chr3:47,122,587, C>A on the plus strand (G>T on the coding strand, the complement: SETD2 is on the minus strand). VCF-style: chr3-47122587-C-A. GRCh37 (hg19) VCF-style: chr3-47164077-C-A.
Other names: c.1917G>T, p.Leu639Phe (NM_001349370.3); short protein forms L683F, L639F.
Identifiers: ClinVar variation 2136138 (VCV002136138.1), dbSNP rs1196200001, ClinGen allele CA352528064.

ClinVar aggregate classification (germline): Uncertain significance (1 of 4 stars; one submission).

Submission:

GeneDx
Classification: Uncertain significance. Last evaluated: 2022-07-20. Review status: criteria provided, single submitter. Criteria: GeneDx Variant Classification Process June 2021. Collection method: clinical testing. Allele origin: germline. Affected: yes.
Comment: Not observed at significant frequency in large population cohorts (gnomAD); In silico analysis supports that this missense variant does not alter protein structure/function; Has not been previously published as pathogenic or benign to our knowledge